The following is an entry in ClinVar:

NM_001081.4(CUBN):c.1512C>G (p.Ile504Met)

Gene: CUBN (cubilin; minus strand). Cytogenetic location: 10p13.
Variant type: single nucleotide variant.
Coding change: c.1512C>G on transcript NM_001081.4 (MANE Select); coding-DNA position 1512, C replaced by G.
Protein change: p.Ile504Met; replaces isoleucine 504 with methionine.
Molecular consequence: missense variant.
Genome position (GRCh38, 1-based): chr10:17,103,143, G>C on the plus strand (C>G on the coding strand, the complement: CUBN is on the minus strand). VCF-style: chr10-17103143-G-C. GRCh37 (hg19) VCF-style: chr10-17145142-G-C.
Other names: short protein forms I504M.
Identifiers: ClinVar variation 1994877 (VCV001994877.4), dbSNP rs2228053, ClinGen allele CA5425266.

ClinVar aggregate classification (germline): Uncertain significance (1 of 4 stars; one submission).

Conditions:
Imerslund-Grasbeck syndrome. Also called: Megaloblastic anemia due to inborn errors of metabolism; ENTEROCYTE COBALAMIN MALABSORPTION; ENTEROCYTE INTRINSIC FACTOR RECEPTOR, DEFECT OF; Imerslund-Gräsbeck syndrome; PERNICIOUS ANEMIA, JUVENILE, DUE TO SELECTIVE INTESTINAL MALABSORPTION OF VITAMIN B12, WITH PROTEINURIA. Identifiers: Orphanet 35858, MedGen C4551825, MONDO:0009853.

Allele frequency attached by ClinVar (database versions not stated): gnomAD exomes 0.00001; TOPMed 0.00001; ESP Exome Variant Server 0.00008; ExAC 0.00002.
gnomAD v4.1: 18 of 1,611,380 alleles (0.0011%); highest among the groups gnomAD compares: Non-Finnish European, 0.0014%; no homozygotes.

Submission:

Labcorp Genetics (formerly Invitae), Labcorp
Classification: Uncertain significance for Imerslund-Grasbeck syndrome. Last evaluated: 2025-06-12. Review status: criteria provided, single submitter. Criteria: Invitae Variant Classification Sherloc (09022015). Collection method: clinical testing. Allele origin: germline.
Comment: This sequence change replaces isoleucine, which is neutral and non-polar, with methionine, which is neutral and non-polar, at codon 504 of the CUBN protein (p.Ile504Met). This variant is present in population databases (rs2228053, gnomAD 0.002%). This variant has not been reported in the literature in individuals affected with CUBN-related conditions. ClinVar contains an entry for this variant (Variation ID: 1994877). Invitae Evidence Modeling of protein sequence and biophysical properties (such as structural, functional, and spatial information, amino acid conservation, physicochemical variation, residue mobility, and thermodynamic stability) indicates that this missense variant is not expected to disrupt CUBN protein function with a negative predictive value of 80%. In summary, the available evidence is currently insufficient to determine the role of this variant in disease. Therefore, it has been classified as a Variant of Uncertain Significance.